The following is an entry in ClinVar:

NM_000492.4(CFTR):c.1027T>C (p.Cys343Arg)

Gene: CFTR (CF transmembrane conductance regulator; plus strand). Cytogenetic location: 7q31.2.
Variant type: single nucleotide variant.
Coding change: c.1027T>C on transcript NM_000492.4 (MANE Select); coding-DNA position 1027, T replaced by C.
Protein change: p.Cys343Arg; replaces cysteine 343 with arginine.
Molecular consequence: missense variant.
Genome position (GRCh38, 1-based): chr7:117,540,257, T>C. VCF-style: chr7-117540257-T-C. GRCh37 (hg19) VCF-style: chr7-117180311-T-C.
Other names: short protein forms C343R.
Identifiers: ClinVar variation 1696144 (VCV001696144.2), dbSNP rs2116684275, ClinGen allele CA368978826.

ClinVar aggregate classification (germline): Uncertain significance. Review status: criteria provided, multiple submitters, no conflicts (2 of 4 stars). 2 submissions from 2 submitters: Uncertain significance (2). Last evaluated 2024-06-21.

Submissions (2):

ARUP Laboratories, Molecular Genetics and Genomics, ARUP Laboratories
Classification: Uncertain significance. Last evaluated: 2024-06-21. Review status: criteria provided, single submitter. Criteria: ARUP Molecular Germline Variant Investigation Process 2024. Collection method: clinical testing. Allele origin: germline.
Comment: The CFTR c.1027T>C; p.Cys343Arg variant (rs2116684275), to our knowledge, is not reported in the medical literature but is reported in ClinVar (Variation ID: 1696144). This variant is also absent from the Genome Aggregation Database (v2.1.1), indicating it is not a common polymorphism. In vitro studies suggest improper protein folding and maturation in the presence of Cys343Arg variant (Loo 2013). Computational analyses predict that this variant is deleterious (REVEL: 0.801). Due to limited information, the clinical significance of this variant is uncertain at this time. References: Loo TW et al. Corrector VX-809 stabilizes the first transmembrane domain of CFTR. Biochem Pharmacol. 2013 Sep 1. PMID: 23835419.

Women's Health and Genetics/Laboratory Corporation of America, LabCorp
Classification: Uncertain significance. Last evaluated: 2022-05-09. Review status: criteria provided, single submitter. Criteria: LabCorp Variant Classification Summary - May 2015. Collection method: clinical testing. Allele origin: germline.
Comment: Variant summary: CFTR c.1027T>C (p.Cys343Arg) results in a non-conservative amino acid change located in the ABC transporter type 1, transmembrane domain of the encoded protein sequence. Four of five in-silico tools predict a damaging effect of the variant on protein function. The variant was absent in 251216 control chromosomes. The available data on variant occurrences in the general population are insufficient to allow any conclusion about variant significance. To our knowledge, no occurrence of c.1027T>C in individuals affected with Cystic Fibrosis or other CFTR-related disorders has been reported. One publication reports experimental evidence showed that this variant causes reduced levels of mature CFTR (Loo_2013). No clinical diagnostic laboratories have submitted clinical-significance assessments for this variant to ClinVar after 2014. Based on the evidence outlined above, the variant was classified as uncertain significance.

Literature cited by the submitters: PubMed 23835419 (cited by Women's Health and Genetics/Laboratory Corporation of America, LabCorp).